The following is an entry in ClinVar:

NM_000540.3(RYR1):c.6816C>T (p.Pro2272=)

Gene: RYR1 (ryanodine receptor 1; plus strand). Cytogenetic location: 19q13.2.
Variant type: single nucleotide variant.
Coding change: c.6816C>T on transcript NM_000540.3 (MANE Select); coding-DNA position 6816, C replaced by T.
Protein change: p.Pro2272=; no amino-acid change (proline 2272 retained).
Molecular consequence: synonymous variant.
Genome position (GRCh38, 1-based): chr19:38,496,879, C>T. VCF-style: chr19-38496879-C-T. GRCh37 (hg19) VCF-style: chr19-38987519-C-T.
Other names: c.6816C>T, p.Pro2272= (NM_001042723.2).
Identifiers: ClinVar variation 3069976 (VCV003069976.1), dbSNP rs2514294283, ClinGen allele CA507242735.

ClinVar aggregate classification (germline): Likely benign (1 of 4 stars; one submission).

Conditions:
Malignant hyperthermia, susceptibility to, 1 (MHS1). Also called: RYR1-Related Malignant Hyperthermia Susceptibility; Anesthesia related hyperthermia; Malignant hyperpyrexia; Fulminating hyperpyrexia; Pharmacogenic myopathy; Malignant hyperthermia suceptibility 1. Identifiers: Orphanet 423, MedGen C2930980, MONDO:0007783, OMIM 145600.

Allele frequency attached by ClinVar (database versions not stated): gnomAD exomes below 0.00001.
gnomAD v4.1: 2 of 1,613,522 alleles (0.00012%); highest among the groups gnomAD compares: Non-Finnish European, 0.00017%; no homozygotes.

Submission:

All of Us Research Program, National Institutes of Health
Classification: Likely benign for Malignant hyperthermia, susceptibility to, 1. Last evaluated: 2023-03-23. Review status: criteria provided, single submitter. Criteria: ACMG Guidelines, 2015. Collection method: clinical testing. Allele origin: germline. Inheritance: Autosomal dominant inheritance. Observed: 1 variant allele, 1 heterozygote.
Comment: This study involves interpretation of variants in research participants for the purpose of population health screening. Participant phenotype was not available at the time of variant classification. Additional details can be found in publication PMID: 35346344, PMCID: PMC8962531